The following is an entry in ClinVar:

NM_014991.6(WDFY3):c.5525dup (p.Leu1842fs)

Gene: WDFY3 (WD repeat and FYVE domain containing 3; minus strand). Cytogenetic location: 4q21.23.
Variant type: Duplication.
Coding change: c.5525dup on transcript NM_014991.6 (MANE Select); coding-DNA position 5525, one base duplicated (T; older notation c.5525dupT).
Protein change: p.Leu1842fs; shifts the reading frame from leucine 1842.
Molecular consequence: frameshift variant.
Genome position (GRCh38, 1-based): chr4:84,755,300, A duplicated on the plus strand (T on the coding strand, the reverse complement: WDFY3 is on the minus strand); the first of 7 consecutive A bases (chr4:84,755,300-84,755,306); duplicating any one gives the same sequence. VCF-style (leftmost placement, unchanged base first): chr4-84755299-T-TA. GRCh37 (hg19) VCF-style: chr4-85676452-T-TA.
Other names: short protein forms L1842fs.
Identifiers: ClinVar variation 3338502 (VCV003338502.1).

ClinVar aggregate classification (germline): Uncertain significance (1 of 4 stars; one submission).

Submission:

Greenwood Genetic Center Diagnostic Laboratories, Greenwood Genetic Center
Classification: Uncertain significance. Last evaluated: 2024-05-16. Review status: criteria provided, single submitter. Criteria: ACMG Guidelines, 2015. Collection method: clinical testing. Allele origin: germline. Affected: yes.
Comment: Gene of Uncertain Significance